The following is an entry in ClinVar:

NM_020822.3(KCNT1):c.2377G>A (p.Ala793Thr)

Gene: KCNT1 (potassium sodium-activated channel subfamily T member 1; plus strand). Cytogenetic location: 9q34.3.
Variant type: single nucleotide variant.
Coding change: c.2377G>A on transcript NM_020822.3 (MANE Select); coding-DNA position 2377, G replaced by A.
Protein change: p.Ala793Thr; replaces alanine 793 with threonine.
Molecular consequence: missense variant.
Genome position (GRCh38, 1-based): chr9:135,777,365, G>A. VCF-style: chr9-135777365-G-A. GRCh37 (hg19) VCF-style: chr9-138669211-G-A.
Other names: c.2242G>A, p.Ala748Thr (NM_001272003.2); short protein forms A748T, A793T.
Identifiers: ClinVar variation 1176915 (VCV001176915.38), dbSNP rs1466772062, ClinGen allele CA375513195.

ClinVar aggregate classification (germline): Uncertain significance. Review status: criteria provided, multiple submitters, no conflicts (2 of 4 stars). 2 submissions from 2 submitters: Uncertain significance (2). Last evaluated 2025-04-23.

Conditions:
Developmental and epileptic encephalopathy, 14 (DEE14). Also called: Early infantile epileptic encephalopathy 14. Identifiers: Orphanet 293181, MedGen C3554195, MONDO:0013989, OMIM 614959.
Autosomal dominant nocturnal frontal lobe epilepsy 5. Also called: KCNT1-Related Epilepsy; Epilepsy, nocturnal frontal lobe, 5; CILIARY DYSKINESIA, PRIMARY, 28, WITHOUT SITUS INVERSUS; CILIARY DYSKINESIA, PRIMARY, 28, WITH SITUS INVERSUS. Identifiers: Orphanet 98784, MedGen C3554306, MONDO:0014002, OMIM 615005.

Allele frequency attached by ClinVar (database versions not stated): gnomAD exomes below 0.00001; gnomAD 0.00001.
gnomAD v4.1: 3 of 1,613,868 alleles (0.00019%); highest among the groups gnomAD compares: Non-Finnish European, 0.00025%; no homozygotes.

Submissions (2):

Labcorp Genetics (formerly Invitae), Labcorp
Classification: Uncertain significance for Autosomal dominant nocturnal frontal lobe epilepsy 5; Developmental and epileptic encephalopathy, 14. Last evaluated: 2025-04-23. Review status: criteria provided, single submitter. Criteria: Invitae Variant Classification Sherloc (09022015). Collection method: clinical testing. Allele origin: germline.
Comment: This sequence change replaces alanine, which is neutral and non-polar, with threonine, which is neutral and polar, at codon 793 of the KCNT1 protein (p.Ala793Thr). This variant is present in population databases (no rsID available, gnomAD 0.007%). This missense change has been observed in individual(s) with clinical features of KCNT1-related conditions (PMID: 37776660). ClinVar contains an entry for this variant (Variation ID: 1176915). Invitae Evidence Modeling of protein sequence and biophysical properties (such as structural, functional, and spatial information, amino acid conservation, physicochemical variation, residue mobility, and thermodynamic stability) indicates that this missense variant is not expected to disrupt KCNT1 protein function with a negative predictive value of 80%. In summary, the available evidence is currently insufficient to determine the role of this variant in disease. Therefore, it has been classified as a Variant of Uncertain Significance.

CeGaT Center for Human Genetics Tuebingen
Classification: Uncertain significance. Last evaluated: 2021-02-01. Review status: criteria provided, single submitter. Criteria: CeGaT Center For Human Genetics Tuebingen Variant Classification Criteria Version 2. Collection method: clinical testing. Allele origin: germline. Affected: yes. Observed: 1 variant allele.

Literature cited by the submitters: PubMed 37776660 (cited by Labcorp Genetics (formerly Invitae), Labcorp).